The following is an entry in ClinVar:

NM_001393769.1(MED12L):c.16C>G (p.Leu6Val)

Gene: MED12L (mediator complex subunit 12L; plus strand). Cytogenetic location: 3q25.1.
Variant type: single nucleotide variant.
Coding change: c.16C>G on transcript NM_001393769.1 (MANE Select); coding-DNA position 16, C replaced by G.
Protein change: p.Leu6Val; replaces leucine 6 with valine.
Molecular consequence: missense variant.
Genome position (GRCh38, 1-based): chr3:151,086,942, C>G. VCF-style: chr3-151086942-C-G. GRCh37 (hg19) VCF-style: chr3-150804729-C-G.
Other names: c.16C>G, p.Leu6Val (NM_053002.6); short protein forms L6V.
Identifiers: ClinVar variation 3352050 (VCV003352050.1).
Genomic context (GRCh38, chr3:151,086,942, plus strand): 5'-TCCAGCTCCAACTCTCATTCATTTCGCCGGTTAACATGAGAGATCATGGCCGCCTTCGGG[C>G]TTCTCAGCTATGAGCAGAGACCGCTGAAGCGCCCCCGGCTCGGGCCGCCCGACGTCTACC-3'
Protein context (NP_001380698.1, residues 1-16): MAAFG[Leu6Val]LSYEQRPLKR

ClinVar aggregate classification (germline): Uncertain significance (0 of 4 stars; one submission).

Conditions:
MED12L-related disorder. Also called: MED12L-related condition.

Submission:

PreventionGenetics, part of Exact Sciences
Classification: Uncertain significance for MED12L-related condition. Last evaluated: 2024-04-11. Review status: no assertion criteria provided. Collection method: clinical testing. Allele origin: germline.
Comment: The MED12L c.16C>G variant is predicted to result in the amino acid substitution p.Leu6Val. To our knowledge, this variant has not been reported in the literature or in a large population database, indicating this variant is rare. At this time, the clinical significance of this variant is uncertain due to the absence of conclusive functional and genetic evidence.